The following is an entry in ClinVar:

ClinVar aggregate classification (germline): Uncertain significance (0 of 4 stars; one submission).

Conditions:
TBX1-related disorder. Also called: TBX1-related condition; TBX1-Related Disorders.

Submission:

PreventionGenetics, part of Exact Sciences
Classification: Uncertain significance for TBX1-related condition. Last evaluated: 2024-05-28. Review status: no assertion criteria provided. Collection method: clinical testing. Allele origin: germline.
Comment: The TBX1 c.280G>T variant is predicted to result in the amino acid substitution p.Ala94Ser. To our knowledge, this variant has not been reported in the literature or in a large population database, indicating this variant is rare. At this time, the clinical significance of this variant is uncertain due to the absence of conclusive functional and genetic evidence.

NM_001379200.1(TBX1):c.307G>T (p.Ala103Ser)

Gene: TBX1 (T-box transcription factor 1; plus strand). Cytogenetic location: 22q11.21.
Variant type: single nucleotide variant.
Coding change: c.307G>T on transcript NM_001379200.1 (MANE Select); coding-DNA position 307, G replaced by T.
Protein change: p.Ala103Ser; replaces alanine 103 with serine.
Molecular consequence: missense variant.
Genome position (GRCh38, 1-based): chr22:19,761,150, G>T. VCF-style: chr22-19761150-G-T. GRCh37 (hg19) VCF-style: chr22-19748673-G-T.
Other names: c.280G>T, p.Ala94Ser (NM_005992.1, NM_080646.2, NM_080647.1); short protein forms A103S, A94S.
Identifiers: ClinVar variation 3347293 (VCV003347293.1).